The following is an entry in ClinVar:

ClinVar aggregate classification (germline): Uncertain significance (1 of 4 stars; one submission).

Conditions:
Familial cold autoinflammatory syndrome 3 (FCAS3). Also called: ANTIBODY DEFICIENCY AND IMMUNE DYSREGULATION, PLCG2-ASSOCIATED; FAMILIAL ATYPICAL COLD URTICARIA. Identifiers: Orphanet 300359, MedGen C3280914, MONDO:0013766, OMIM 614468.

Allele frequency attached by ClinVar (database versions not stated): gnomAD exomes below 0.00001.
gnomAD v4.1: 5 of 1,614,084 alleles (0.00031%); highest among the groups gnomAD compares: Non-Finnish European, 0.00042%; no homozygotes.

Submission:

Labcorp Genetics (formerly Invitae), Labcorp
Classification: Uncertain significance for Familial cold autoinflammatory syndrome 3. Last evaluated: 2019-09-26. Review status: criteria provided, single submitter. Criteria: Invitae Variant Classification Sherloc (09022015). Collection method: clinical testing. Allele origin: germline.
Comment: In summary, the available evidence is currently insufficient to determine the role of this variant in disease. Therefore, it has been classified as a Variant of Uncertain Significance. Algorithms developed to predict the effect of missense changes on protein structure and function (SIFT, PolyPhen-2, Align-GVGD) all suggest that this variant is likely to be disruptive, but these predictions have not been confirmed by published functional studies and their clinical significance is uncertain. This variant has not been reported in the literature in individuals with PLCG2-related conditions. This variant is not present in population databases (ExAC no frequency). This sequence change replaces arginine with tryptophan at codon 587 of the PLCG2 protein (p.Arg587Trp). The arginine residue is highly conserved and there is a moderate physicochemical difference between arginine and tryptophan.

NM_002661.5(PLCG2):c.1759C>T (p.Arg587Trp)

Gene: PLCG2 (phospholipase C gamma 2; plus strand). Cytogenetic location: 16q23.3.
Variant type: single nucleotide variant.
Coding change: c.1759C>T on transcript NM_002661.5 (MANE Select); coding-DNA position 1759, C replaced by T.
Protein change: p.Arg587Trp; replaces arginine 587 with tryptophan.
Molecular consequence: missense variant.
Genome position (GRCh38, 1-based): chr16:81,910,545, C>T. VCF-style: chr16-81910545-C-T. GRCh37 (hg19) VCF-style: chr16-81944150-C-T.
Other names: short protein forms R587W.
Identifiers: ClinVar variation 934891 (VCV000934891.9), dbSNP rs1049453423, ClinGen allele CA285153699.